The following is an entry in ClinVar:

NM_000392.5(ABCC2):c.469-1G>T

Gene: ABCC2 (ATP binding cassette subfamily C member 2; plus strand). Cytogenetic location: 10q24.2.
Variant type: single nucleotide variant.
Coding change: c.469-1G>T on transcript NM_000392.5 (MANE Select); the canonical splice acceptor site of the intron before coding-DNA position 469, G replaced by T.
Molecular consequence: splice acceptor variant.
Genome position (GRCh38, 1-based): chr10:99,793,891, G>T. VCF-style: chr10-99793891-G-T. GRCh37 (hg19) VCF-style: chr10-101553648-G-T.
Identifiers: ClinVar variation 2827990 (VCV002827990.3), dbSNP rs2037850990, ClinGen allele CA378102799.

ClinVar aggregate classification (germline): Likely pathogenic (1 of 4 stars; one submission).

Submission:

Labcorp Genetics (formerly Invitae), Labcorp
Classification: Likely pathogenic. Last evaluated: 2023-01-12. Review status: criteria provided, single submitter. Criteria: Invitae Variant Classification Sherloc (09022015). Collection method: clinical testing. Allele origin: germline.
Comment: This sequence change affects an acceptor splice site in intron 4 of the ABCC2 gene. It is expected to disrupt RNA splicing. Variants that disrupt the donor or acceptor splice site typically lead to a loss of protein function (PMID: 16199547), and loss-of-function variants in ABCC2 are known to be pathogenic (PMID: 9185779, 16549534, 16952291). This variant is not present in population databases (gnomAD no frequency). This variant has not been reported in the literature in individuals affected with ABCC2-related conditions. Algorithms developed to predict the effect of sequence changes on RNA splicing suggest that this variant may disrupt the consensus splice site. In summary, the currently available evidence indicates that the variant is pathogenic, but additional data are needed to prove that conclusively. Therefore, this variant has been classified as Likely Pathogenic.

Literature cited by the submitters: PubMed 16199547; PubMed 9185779; PubMed 16549534; PubMed 16952291.